The following is an entry in ClinVar:

ClinVar aggregate classification (germline): Uncertain significance (1 of 4 stars; one submission).

Conditions:
Brugada syndrome. Also called: Sudden Unexplained Death Syndrome; Sudden Unexplained Nocturnal Death Syndrome (SUNDS); Sudden unexpected nocturnal death syndrome; Sudden unexplained nocturnal death syndrome. Identifiers: Orphanet 130, MedGen C1142166, MONDO:0015263.

Submission:

Labcorp Genetics (formerly Invitae), Labcorp
Classification: Uncertain significance for Brugada syndrome. Last evaluated: 2024-07-30. Review status: criteria provided, single submitter. Criteria: Invitae Variant Classification Sherloc (09022015). Collection method: clinical testing. Allele origin: germline.
Comment: This sequence change replaces valine, which is neutral and non-polar, with isoleucine, which is neutral and non-polar, at codon 800 of the CACNA2D1 protein (p.Val800Ile). This variant is not present in population databases (gnomAD no frequency). This variant has not been reported in the literature in individuals affected with CACNA2D1-related conditions. ClinVar contains an entry for this variant (Variation ID: 1423063). An algorithm developed to predict the effect of missense changes on protein structure and function (PolyPhen-2) suggests that this variant is likely to be disruptive. In summary, the available evidence is currently insufficient to determine the role of this variant in disease. Therefore, it has been classified as a Variant of Uncertain Significance.

NM_000722.4(CACNA2D1):c.2398G>A (p.Val800Ile)

Gene: CACNA2D1 (calcium voltage-gated channel auxiliary subunit alpha2delta 1; minus strand). Cytogenetic location: 7q21.11.
Variant type: single nucleotide variant.
Coding change: c.2398G>A on transcript NM_000722.4 (MANE Select); coding-DNA position 2398, G replaced by A.
Protein change: p.Val800Ile; replaces valine 800 with isoleucine.
Molecular consequence: missense variant.
Genome position (GRCh38, 1-based): chr7:81,967,661, C>T on the plus strand (G>A on the coding strand, the complement: CACNA2D1 is on the minus strand). VCF-style: chr7-81967661-C-T. GRCh37 (hg19) VCF-style: chr7-81596977-C-T.
Other names: c.2434G>A, p.Val812Ile (NM_001366867.1); short protein forms V800I, V812I.
Identifiers: ClinVar variation 1423063 (VCV001423063.6), dbSNP rs1365919214, ClinGen allele CA367888803.
Genomic context (GRCh38, chr7:81,967,661, plus strand): 5'-CTCTGATTGAGGTTTTGGTGAAATTCTCTATCCAGGAATTTACATCAATTTTAATTCCAA[C>T]AACTGAAAAATTAATTTGAATTAATTCAAAGGTATAATTAGATGTAATACAACCTTTGCA-3'
Protein context (NP_000713.2, residues 790-810): IQGKLLKPAV[Val800Ile]GIKIDVNSWI